The following is an entry in ClinVar:

NM_170665.4(ATP2A2):c.118+2T>C

Gene: ATP2A2 (ATPase sarcoplasmic/endoplasmic reticulum Ca2+ transporting 2; plus strand). Cytogenetic location: 12q24.11.
Variant type: single nucleotide variant.
Coding change: c.118+2T>C on transcript NM_170665.4 (MANE Select); the canonical splice donor site of the intron after coding-DNA position 118, T replaced by C.
Molecular consequence: splice donor variant. On other transcripts: intron variant (1).
Genome position (GRCh38, 1-based): chr12:110,281,909, T>C. VCF-style: chr12-110281909-T-C. GRCh37 (hg19) VCF-style: chr12-110719714-T-C.
Other names: c.-257-695T>C (NM_001413015.1); c.118+2T>C (NM_001413014.1, NM_001681.4, NM_001413013.1).
Identifiers: ClinVar variation 4688661 (VCV004688661.1).
Genomic context (GRCh38, chr12:110,281,909, plus strand): 5'-GAGTACGGGGCTGAGCCTGGAACAGGTCAAGAAGCTTAAGGAGAGATGGGGCTCCAACGG[T>C]AGGTGCAGGGCGCTCCGCTGCAGGGGCCCGGCGCGGCCGGGAGAGCCAGGGAAGATGGCT-3'

ClinVar aggregate classification (germline): Likely pathogenic (1 of 4 stars; one submission).

Conditions:
ATP2A2-related disorder. Also called: ATP2A2-related condition; ATP2A2-Related Disorders.

Submission:

Women's Health and Genetics/Laboratory Corporation of America, LabCorp
Classification: Likely pathogenic for ATP2A2-Related Disorders. Last evaluated: 2025-12-02. Review status: criteria provided, single submitter. Criteria: LabCorp Variant Classification Summary - May 2015. Collection method: clinical testing. Allele origin: germline.
Comment: Variant summary: ATP2A2 c.118+2T>C is located in a canonical splice-site and is predicted to affect mRNA splicing resulting in a significantly altered protein due to either exon skipping, shortening, or inclusion of intronic material. Variants that disrupt the consensus splice site are a relatively common cause of aberrant splicing and loss of ATP2A2 function. Several computational tools predict a significant impact on normal splicing: Three predict the variant abolishes a 5' splicing donor site. Two predict the variant strengthens a cryptic 5' donor site. One predicts the variant creates a 5' donor site. However, these predictions have yet to be confirmed by functional studies. The variant was absent in 1566056 control chromosomes. To our knowledge, no occurrence of c.118+2T>C in individuals affected with ATP2A2-related conditions and no experimental evidence demonstrating its impact on protein function have been reported. No submitters have cited clinical-significance assessments for this variant to ClinVar. Based on the evidence outlined above, the variant was classified as likely pathogenic.